The following is an entry in ClinVar:

NM_000069.3(CACNA1S):c.3214G>A (p.Gly1072Arg)

Gene: CACNA1S (calcium voltage-gated channel subunit alpha1 S; minus strand). Cytogenetic location: 1q32.1.
Variant type: single nucleotide variant.
Coding change: c.3214G>A on transcript NM_000069.3 (MANE Select); coding-DNA position 3214, G replaced by A.
Protein change: p.Gly1072Arg; replaces glycine 1072 with arginine.
Molecular consequence: missense variant.
Genome position (GRCh38, 1-based): chr1:201,061,308, C>T on the plus strand (G>A on the coding strand, the complement: CACNA1S is on the minus strand). VCF-style: chr1-201061308-C-T. GRCh37 (hg19) VCF-style: chr1-201030436-C-T.
Other names: c.3214G>A (NM_000069.2); short protein forms G1072R.
Identifiers: ClinVar variation 1932045 (VCV001932045.8), dbSNP rs370439425, ClinGen allele CA079596.

ClinVar aggregate classification (germline): Uncertain significance. Review status: criteria provided, multiple submitters, no conflicts (2 of 4 stars). 3 submissions from 3 submitters: Uncertain significance (3). Last evaluated 2026-01-27.

Conditions:
Malignant hyperthermia, susceptibility to, 5 (MHS5). Also called: CACNA1S-Related Malignant Hyperthermia Susceptibility. Identifiers: Orphanet 423, MedGen C1866077, MONDO:0011163, OMIM 601887.
Hypokalemic periodic paralysis, type 1. Also called: HypoPP; Hypokalemic Periodic Paralysis Type 1 (AD). Identifiers: Orphanet 681, MedGen C3714580, MONDO:0042979, OMIM 170400.
Inborn genetic diseases. Identifiers: MedGen C0950123, MeSH D030342.

Allele frequency attached by ClinVar (database versions not stated): ExAC 0.00001; gnomAD 0.00001; TOPMed 0.00001; ESP Exome Variant Server 0.00008.
gnomAD v4.1: 33 of 1,614,082 alleles (0.002%); highest among the groups gnomAD compares: Non-Finnish European, 0.0028%; no homozygotes.

Submissions (3):

Labcorp Genetics (formerly Invitae), Labcorp
Classification: Uncertain significance for Hypokalemic periodic paralysis, type 1; Malignant hyperthermia, susceptibility to, 5. Last evaluated: 2026-01-27. Review status: criteria provided, single submitter. Criteria: Invitae Variant Classification Sherloc (09022015). Collection method: clinical testing. Allele origin: germline.
Comment: This sequence change replaces glycine, which is neutral and non-polar, with arginine, which is basic and polar, at codon 1072 of the CACNA1S protein (p.Gly1072Arg). This variant is present in population databases (rs370439425, gnomAD 0.003%). This variant has not been reported in the literature in individuals affected with CACNA1S-related conditions. ClinVar contains an entry for this variant (Variation ID: 1932045). Invitae Evidence Modeling of protein sequence and biophysical properties (such as structural, functional, and spatial information, amino acid conservation, physicochemical variation, residue mobility, and thermodynamic stability) has been performed for this missense variant. However, the output from this modeling did not meet the statistical confidence thresholds required to predict the impact of this variant on CACNA1S protein function. In summary, the available evidence is currently insufficient to determine the role of this variant in disease. Therefore, it has been classified as a Variant of Uncertain Significance.

All of Us Research Program, National Institutes of Health
Classification: Uncertain significance for Malignant hyperthermia, susceptibility to, 5. Last evaluated: 2024-09-23. Review status: criteria provided, single submitter. Criteria: ACMG Guidelines, 2015. Collection method: clinical testing. Allele origin: germline. Inheritance: Autosomal dominant inheritance. Observed: 4 variant alleles, 4 heterozygotes.
Comment: This missense variant replaces glycine with arginine at codon 1072 of the CACNA1S protein. Computational prediction suggests that this variant may have deleterious impact on protein structure and function (internally defined REVEL score threshold >= 0.7, PMID: 27666373). To our knowledge, functional studies have not been reported for this variant. This variant has not been reported in individuals affected with CACNA1S-related disorders in the literature. This variant has been identified in 3/251462 chromosomes in the general population by the Genome Aggregation Database (gnomAD). The available evidence is insufficient to determine the role of this variant in disease conclusively. Therefore, this variant is classified as a Variant of Uncertain Significance.

This study involves interpretation of variants in research participants for the purpose of population health screening. Participant phenotype was not available at the time of variant classification. Additional details can be found in publication PMID: 35346344, PMCID: PMC8962531

Ambry Genetics
Classification: Uncertain significance for Inborn genetic diseases. Last evaluated: 2024-09-02. Review status: criteria provided, single submitter. Criteria: Ambry Variant Classification Scheme 2023. Collection method: clinical testing. Allele origin: germline.